The following is an entry in ClinVar:

ClinVar aggregate classification (germline): Likely benign. Review status: criteria provided, single submitter (1 of 4 stars). 2 submissions from 2 submitters: Likely benign (1). 1 of the submissions does not count toward it. Last evaluated 2025-04-28.

Conditions:
POLR3A-related disorder. Also called: POLR3A-related condition; POLR3A-related disorders. Identifiers: MedGen CN378587, MONDO:0700276.

gnomAD v4.1: 9 of 1,613,916 alleles (0.00056%); highest among the groups gnomAD compares: African/African-American, 0.0053%; no homozygotes.

Submissions (2):

Labcorp Genetics (formerly Invitae), Labcorp
Classification: Likely benign. Last evaluated: 2025-04-28. Review status: criteria provided, single submitter. Criteria: Invitae Variant Classification Sherloc (09022015). Collection method: clinical testing. Allele origin: germline.

PreventionGenetics, part of Exact Sciences
Classification: Likely benign for POLR3A-related condition. Last evaluated: 2023-10-10. Review status: no assertion criteria provided. Collection method: clinical testing. Allele origin: germline. Not counted in ClinVar's aggregate classification.
Comment: This variant is classified as likely benign based on ACMG/AMP sequence variant interpretation guidelines (Richards et al. 2015 PMID: 25741868, with internal and published modifications).

NM_007055.4(POLR3A):c.2577C>T (p.Val859=)

Gene: POLR3A (RNA polymerase III subunit A; minus strand). Cytogenetic location: 10q22.3.
Variant type: single nucleotide variant.
Coding change: c.2577C>T on transcript NM_007055.4 (MANE Select); coding-DNA position 2577, C replaced by T.
Protein change: p.Val859=; no amino-acid change (valine 859 retained).
Molecular consequence: synonymous variant.
Genome position (GRCh38, 1-based): chr10:78,000,020, G>A on the plus strand (C>T on the coding strand, the complement: POLR3A is on the minus strand). VCF-style: chr10-78000020-G-A. GRCh37 (hg19) VCF-style: chr10-79759778-G-A.
Other names: c.2577C>T (NM_007055.3).
Identifiers: ClinVar variation 2892912 (VCV002892912.5), dbSNP rs142657005, ClinGen allele CA5571085.